The following is an entry in ClinVar:

NM_001374736.1(DST):c.16377T>C (p.Leu5459=)

Gene: DST (dystonin; minus strand). Cytogenetic location: 6p12.1.
Variant type: single nucleotide variant.
Coding change: c.16377T>C on transcript NM_001374736.1 (MANE Select); coding-DNA position 16377, T replaced by C.
Protein change: p.Leu5459=; no amino-acid change (leucine 5459 retained).
Molecular consequence: synonymous variant.
Genome position (GRCh38, 1-based): chr6:56,552,415, A>G on the plus strand (T>C on the coding strand, the complement: DST is on the minus strand). VCF-style: chr6-56552415-A-G. GRCh37 (hg19) VCF-style: chr6-56417213-A-G.
Other names: c.10020T>C, p.Leu3340= (NM_001144769.5); c.9606T>C, p.Leu3202= (NM_001144770.2); c.16377T>C, p.Leu5459= (NM_001374722.1); c.15744T>C, p.Leu5248= (NM_001374729.1); c.9486T>C, p.Leu3162= (NM_001374730.1, NM_001386100.1, NM_183380.4); c.16404T>C, p.Leu5468= (NM_001374734.1); c.8508T>C, p.Leu2836= (NM_015548.5); c.10020T>C (NM_001144769.2).
Identifiers: ClinVar variation 1145772 (VCV001145772.11), dbSNP rs369447134, ClinGen allele CA3867688.
Genomic context (GRCh38, chr6:56,552,415, plus strand): 5'-TCGGTCCAGTAACTTGTTGCATTGTTTGCTTAAGGCCTCCAAGTCCCTTTTGATTCCAAC[A>G]AGGTCAGGAGAGGTTTCTTCTGTGGCTAACATCATCTTGCAGGTTTTATTGGCATTGTCA-3'
Protein context (NP_001361665.1, residues 5449-5469): MLATEETSPD[Leu5459=]VGIKRDLEAL

ClinVar aggregate classification (germline): Likely benign. Review status: criteria provided, single submitter (1 of 4 stars). 2 submissions from 2 submitters: Likely benign (1). 1 of the submissions does not count toward it. Last evaluated 2026-01-28.

Conditions:
DST-related disorder. Also called: DST-related disorders; DST-related condition.
Hereditary sensory and autonomic neuropathy type 6. Also called: HSAN VI; Neuropathy, hereditary sensory and autonomic, type VI. Identifiers: Orphanet 314381, MedGen C3539003, MONDO:0013839, OMIM 614653.
Epidermolysis bullosa simplex 3, localized or generalized intermediate, with BP230 deficiency (EBS3). Also called: Epidermolysis bullosa simplex, autosomal recessive 2; Epidermolysis bullosa simplex due to BP230 deficiency. Identifiers: Orphanet 412181, MedGen C3809470, MONDO:0014180, OMIM 615425.

Allele frequency attached by ClinVar (database versions not stated): ExAC 0.00006; gnomAD 0.00008 and 0.00009; gnomAD exomes 0.00008 and 0.00013; TOPMed 0.00010; ESP Exome Variant Server 0.00017.
gnomAD v4.1: 191 of 1,613,872 alleles (0.012%); highest among the groups gnomAD compares: Non-Finnish European, 0.015%; no homozygotes.

Submissions (2):

Labcorp Genetics (formerly Invitae), Labcorp
Classification: Likely benign for Epidermolysis bullosa simplex 3, localized or generalized intermediate, with BP230 deficiency; Hereditary sensory and autonomic neuropathy type 6. Last evaluated: 2026-01-28. Review status: criteria provided, single submitter. Criteria: Invitae Variant Classification Sherloc (09022015). Collection method: clinical testing. Allele origin: germline.

PreventionGenetics, part of Exact Sciences
Classification: Likely benign for DST-related condition. Last evaluated: 2019-05-22. Review status: no assertion criteria provided. Collection method: clinical testing. Allele origin: germline. Not counted in ClinVar's aggregate classification.
Comment: This variant is classified as likely benign based on ACMG/AMP sequence variant interpretation guidelines (Richards et al. 2015 PMID: 25741868, with internal and published modifications).